The following is an entry in ClinVar:

ClinVar aggregate classification (germline): Uncertain significance (1 of 4 stars; one submission).

Allele frequency attached by ClinVar (database versions not stated): gnomAD 0.00001; gnomAD exomes 0.00001; ExAC 0.00002; TOPMed 0.00002; 1000 Genomes Project 30x 0.00016; 1000 Genomes Project 0.00020.
gnomAD v4.1: 13 of 1,613,044 alleles (0.00081%); highest among the groups gnomAD compares: Middle Eastern, 0.017%; no homozygotes.

Submission:

Labcorp Genetics (formerly Invitae), Labcorp
Classification: Uncertain significance. Last evaluated: 2022-05-08. Review status: criteria provided, single submitter. Criteria: Invitae Variant Classification Sherloc (09022015). Collection method: clinical testing. Allele origin: germline.
Comment: In summary, the available evidence is currently insufficient to determine the role of this variant in disease. Therefore, it has been classified as a Variant of Uncertain Significance. Algorithms developed to predict the effect of missense changes on protein structure and function are either unavailable or do not agree on the potential impact of this missense change (SIFT: "Tolerated"; PolyPhen-2: "Possibly Damaging"; Align-GVGD: "Class C0"). This variant has not been reported in the literature in individuals affected with EPS8L2-related conditions. The frequency data for this variant in the population databases is considered unreliable, as metrics indicate poor data quality at this position in the gnomAD database. This sequence change replaces cysteine, which is neutral and slightly polar, with tyrosine, which is neutral and polar, at codon 358 of the EPS8L2 protein (p.Cys358Tyr).

NM_022772.4(EPS8L2):c.1073G>A (p.Cys358Tyr)

Gene: EPS8L2 (EPS8 signaling adaptor L2; plus strand). Cytogenetic location: 11p15.5.
Variant type: single nucleotide variant.
Coding change: c.1073G>A on transcript NM_022772.4 (MANE Select); coding-DNA position 1073, G replaced by A.
Protein change: p.Cys358Tyr; replaces cysteine 358 with tyrosine.
Molecular consequence: missense variant.
Genome position (GRCh38, 1-based): chr11:722,414, G>A. VCF-style: chr11-722414-G-A. GRCh37 (hg19) VCF-style: chr11-722414-G-A.
Other names: short protein forms C358Y.
Identifiers: ClinVar variation 1442246 (VCV001442246.9), dbSNP rs564943748, ClinGen allele CA5787492.